The following is an entry in ClinVar:

NM_006030.4(CACNA2D2):c.1840del (p.Asp614fs)

Gene: CACNA2D2 (calcium voltage-gated channel auxiliary subunit alpha2delta 2; minus strand). Cytogenetic location: 3p21.31.
Variant type: Deletion.
Coding change: c.1840del on transcript NM_006030.4 (MANE Select); coding-DNA position 1840, one base deleted (G; older notation c.1840delG).
Protein change: p.Asp614fs; shifts the reading frame from aspartic acid 614.
Molecular consequence: frameshift variant.
Genome position (GRCh38, 1-based): chr3:50,375,814, C deleted on the plus strand (G on the coding strand, the reverse complement: CACNA2D2 is on the minus strand); the first of 2 consecutive C bases (chr3:50,375,814-50,375,815); deleting either gives the same sequence. VCF-style (leftmost placement, unchanged base first): chr3-50375813-TC-T. GRCh37 (hg19) VCF-style: chr3-50413244-TC-T.
Other names: c.1840del, p.Asp614fs (NM_001005505.3, NM_001174051.3); c.1633del, p.Asp545fs (NM_001291101.1); short protein forms D545fs, D614fs.
Identifiers: ClinVar variation 1687585 (VCV001687585.1), dbSNP rs2106640003, ClinGen allele CA2573137135.

ClinVar aggregate classification (germline): Pathogenic (1 of 4 stars; one submission).

Conditions:
Cerebellar atrophy with seizures and variable developmental delay. Identifiers: MedGen C5193132, MONDO:0032788, OMIM 618501.

Submission:

3billion
Classification: Pathogenic for Cerebellar atrophy with seizures and variable developmental delay. Last evaluated: 2022-05-22. Review status: criteria provided, single submitter. Criteria: ACMG Guidelines, 2015. Collection method: clinical testing. Allele origin: germline. Affected: yes. Observed: 1 homozygote.
Comment: The variant is not observed in the gnomAD v2.1.1 dataset. Frameshift: predicted to result in a loss or disruption of normal protein function through nonsense-mediated decay (NMD) or protein truncation. Multiple pathogenic variants are reported downstream of the variant. Therefore, this variant is classified as pathogenic according to the recommendation of ACMG/AMP guideline.